The following is an entry in ClinVar:

ClinVar aggregate classification (germline): Uncertain significance (1 of 4 stars; one submission).

Conditions:
Tuberous sclerosis 2 (TSC2). Identifiers: Orphanet 805, MedGen C1860707, MONDO:0013199, OMIM 613254.

Submission:

Labcorp Genetics (formerly Invitae), Labcorp
Classification: Uncertain significance for Tuberous sclerosis 2. Last evaluated: 2020-10-30. Review status: criteria provided, single submitter. Criteria: Invitae Variant Classification Sherloc (09022015). Collection method: clinical testing. Allele origin: germline.
Comment: In summary, the available evidence is currently insufficient to determine the role of this variant in disease. Therefore, it has been classified as a Variant of Uncertain Significance. Advanced modeling of protein sequence and biophysical properties (such as structural, functional, and spatial information, amino acid conservation, physicochemical variation, residue mobility, and thermodynamic stability) performed at Invitae indicates that this missense variant is not expected to disrupt TSC2 protein function. This variant has not been reported in the literature in individuals with TSC2-related conditions. This variant is not present in population databases (ExAC no frequency). This sequence change replaces proline with glutamine at codon 24 of the TSC2 protein (p.Pro24Gln). The proline residue is weakly conserved and there is a moderate physicochemical difference between proline and glutamine.

NM_000548.5(TSC2):c.71C>A (p.Pro24Gln)

Gene: TSC2 (TSC complex subunit 2; plus strand). Cytogenetic location: 16p13.3.
Variant type: single nucleotide variant.
Coding change: c.71C>A on transcript NM_000548.5 (MANE Select); coding-DNA position 71, C replaced by A.
Protein change: p.Pro24Gln; replaces proline 24 with glutamine.
Molecular consequence: missense variant. On other transcripts: 5 prime UTR variant (1), intron variant (1).
Genome position (GRCh38, 1-based): chr16:2,048,686, C>A. VCF-style: chr16-2048686-C-A. GRCh37 (hg19) VCF-style: chr16-2098687-C-A.
Other names: c.71C>A, p.Pro24Gln (NM_001077183.3, NM_001114382.3, NM_001318827.2 and 4 more transcripts); c.-156C>A (NM_001318831.2); c.104C>A, p.Pro35Gln (NM_001318832.2); c.-10+621C>A (NM_001318829.2); short protein forms P35Q, P24Q.
Identifiers: ClinVar variation 1044406 (VCV001044406.8), dbSNP rs868467487, ClinGen allele CA394301209.